The following is an entry in ClinVar:

NM_005188.4(CBL):c.1676G>T (p.Arg559Leu)

Gene: CBL (Cbl proto-oncogene; plus strand). Cytogenetic location: 11q23.3.
Variant type: single nucleotide variant.
Coding change: c.1676G>T on transcript NM_005188.4 (MANE Select); coding-DNA position 1676, G replaced by T.
Protein change: p.Arg559Leu; replaces arginine 559 with leucine.
Molecular consequence: missense variant.
Genome position (GRCh38, 1-based): chr11:119,285,301, G>T. VCF-style: chr11-119285301-G-T. GRCh37 (hg19) VCF-style: chr11-119156011-G-T.
Other names: short protein forms R559L.
Identifiers: ClinVar variation 503532 (VCV000503532.11), dbSNP rs143034856, ClinGen allele CA382919594.
Genomic context (GRCh38, chr11:119,285,301, plus strand): 5'-TTCGAGATCTTCCACCACCACCGCCTCCAGACCGGCCATATTCTGTTGGAGCAGAATCCC[G>T]ACCTCAAAGACGCCCCTTGCCTTGTACACCAGGCGACTGTCCCTCCAGAGACAAACTGCC-3'
Protein context (NP_005179.2, residues 549-569): DRPYSVGAES[Arg559Leu]PQRRPLPCTP

ClinVar aggregate classification (germline): Uncertain significance. Review status: criteria provided, multiple submitters, no conflicts (2 of 4 stars). 3 submissions from 3 submitters: Uncertain significance (3). Last evaluated 2025-12-02.

Conditions:
B lymphoblastic leukemia lymphoma with hyperdiploidy. Also called: B-lymphoblastic leukemia/lymphoma with hyperdiploidy. Identifiers: Orphanet 585936, MedGen C2698311, MONDO:0035943.
RASopathy. Also called: Noonan spectrum disorder; rasopathies. Identifiers: Orphanet 536391, MedGen C5555857, MONDO:0021060.

Allele frequency attached by ClinVar (database versions not stated): TOPMed 0.00002; gnomAD 0.00003.

Submissions (3):

Labcorp Genetics (formerly Invitae), Labcorp
Classification: Uncertain significance for RASopathy. Last evaluated: 2025-12-02. Review status: criteria provided, single submitter. Criteria: Invitae Variant Classification Sherloc (09022015). Collection method: clinical testing. Allele origin: germline.
Comment: This sequence change replaces arginine, which is basic and polar, with leucine, which is neutral and non-polar, at codon 559 of the CBL protein (p.Arg559Leu). This variant is present in population databases (no rsID available, gnomAD 0.002%). This variant has not been reported in the literature in individuals affected with CBL-related conditions. ClinVar contains an entry for this variant (Variation ID: 503532). Invitae Evidence Modeling of protein sequence and biophysical properties (such as structural, functional, and spatial information, amino acid conservation, physicochemical variation, residue mobility, and thermodynamic stability) indicates that this missense variant is not expected to disrupt CBL protein function with a negative predictive value of 95%. In summary, the available evidence is currently insufficient to determine the role of this variant in disease. Therefore, it has been classified as a Variant of Uncertain Significance.

Laboratory for Molecular Medicine, Mass General Brigham Personalized Medicine
Classification: Uncertain significance. Last evaluated: 2018-03-06. Review status: criteria provided, single submitter. Criteria: LMM Criteria. Collection method: clinical testing. Allele origin: germline.
Comment: Disclaimer: This variant has not undergone full assessment. The following are preliminary notes: 3/126670 European chromosomes in GnomAd; not in ClinVar, hgmd or google search; conserved, predicted damaging.

St. Jude Molecular Pathology, St. Jude Children's Research Hospital
Classification: Uncertain significance for B Lymphoblastic Leukemia/Lymphoma with Hyperdiploidy. Last evaluated: 2017-01-09. Review status: criteria provided, single submitter. Criteria: ACMG Guidelines, 2015. Collection method: clinical testing. Allele origin: germline. Affected: yes.